The following is an entry in ClinVar:

NM_001370298.3(FGD4):c.1081C>T (p.Arg361Ter)

Gene: FGD4 (FYVE, RhoGEF and PH domain containing 4; plus strand). Cytogenetic location: 12p11.21.
Variant type: single nucleotide variant.
Coding change: c.1081C>T on transcript NM_001370298.3 (MANE Select); coding-DNA position 1081, C replaced by T.
Protein change: p.Arg361Ter; replaces arginine 361 with a stop codon.
Molecular consequence: nonsense. On other transcripts: 5 prime UTR variant (2).
Genome position (GRCh38, 1-based): chr12:32,598,566, C>T. VCF-style: chr12-32598566-C-T. GRCh37 (hg19) VCF-style: chr12-32751500-C-T.
Other names: c.925C>T, p.Arg309Ter (NM_001304481.2); c.-175C>T (NM_001304483.2); c.-482C>T (NM_001304484.2); c.391C>T, p.Arg131Ter (NM_001330373.2, NM_001330374.2, NM_001384130.1); c.118C>T, p.Arg40Ter (NM_001370297.1); c.1081C>T, p.Arg361Ter (NM_001384126.1); c.670C>T, p.Arg224Ter (NM_001384127.1, NM_001384128.1, NM_001385118.1 and 1 more transcripts); short protein forms R224*, R309*, R40*, R131*, R361*.
Identifiers: ClinVar variation 1011 (VCV000001011.47), dbSNP rs118203972, ClinGen allele CA251667.

ClinVar aggregate classification (germline): Pathogenic. Review status: criteria provided, multiple submitters, no conflicts (2 of 4 stars). 5 submissions from 5 submitters: Pathogenic (3). 2 of the submissions do not count toward it. Last evaluated 2026-01-13.

Conditions:
Charcot-Marie-Tooth disease type 4. Also called: Charcot-Marie-Tooth disease, type IV; Charcot-Marie-Tooth, Type 4. Identifiers: Orphanet 64749, MedGen C4082197, MONDO:0018995.
Charcot-Marie-Tooth disease type 4H (CMT4H). Also called: CHARCOT-MARIE-TOOTH DISEASE, DEMYELINATING, TYPE 4H; CHARCOT-MARIE-TOOTH DISEASE, AUTOSOMAL RECESSIVE, TYPE 4H; CHARCOT-MARIE-TOOTH DISEASE, DEMYELINATING, AUTOSOMAL RECESSIVE, TYPE 4H; CHARCOT-MARIE-TOOTH NEUROPATHY, TYPE 4H. Identifiers: Orphanet 99954, MedGen C1836336, MONDO:0012250, OMIM 609311.

Submissions (5):

3billion
Classification: Pathogenic for Charcot-Marie-Tooth disease type 4H. Last evaluated: 2026-01-13. Review status: criteria provided, single submitter. Criteria: ACMG Guidelines, 2015. Collection method: clinical testing. Allele origin: germline. Affected: yes.
Comment: The variant is not observed in the gnomAD v4.1.0 dataset. Predicted Consequence/Location: Stop-gained (nonsense): predicted to result in a loss or disruption of normal protein function through nonsense-mediated decay (NMD) or protein truncation. Multiple pathogenic variants are reported downstream of the variant. The variant has been reported at least twice as pathogenic without evidence for the classification (ClinVar ID: VCV000001011 /PMID: 17564972). Therefore, this variant is classified as Pathogenic according to the recommendation of ACMG/AMP guideline.

Labcorp Genetics (formerly Invitae), Labcorp
Classification: Pathogenic for Charcot-Marie-Tooth disease type 4. Last evaluated: 2023-04-14. Review status: criteria provided, single submitter. Criteria: Invitae Variant Classification Sherloc (09022015). Collection method: clinical testing. Allele origin: germline.
Comment: This sequence change creates a premature translational stop signal (p.Arg224*) in the FGD4 gene. It is expected to result in an absent or disrupted protein product. Loss-of-function variants in FGD4 are known to be pathogenic (PMID: 17564972). This variant is not present in population databases (gnomAD no frequency). This premature translational stop signal has been observed in individual(s) with Charcot-Marie-Tooth disease (PMID: 17564972). ClinVar contains an entry for this variant (Variation ID: 1011). For these reasons, this variant has been classified as Pathogenic.

CeGaT Center for Human Genetics Tuebingen
Classification: Pathogenic. Last evaluated: 2020-10-01. Review status: criteria provided, single submitter. Criteria: CeGaT Center For Human Genetics Tuebingen Variant Classification Criteria Version 2. Collection method: clinical testing. Allele origin: germline. Affected: yes. Observed: 1 variant allele.

Inherited Neuropathy Consortium Ii, University Of Miami
Classification: Uncertain significance for Charcot-Marie-Tooth disease type 4H. Last evaluated: 2016-01-06. Review status: no assertion criteria provided. Collection method: literature only. Allele origin: germline. Affected: yes. Not counted in ClinVar's aggregate classification.

OMIM
Classification: Pathogenic for CHARCOT-MARIE-TOOTH DISEASE, DEMYELINATING, TYPE 4H. Last evaluated: 2007-07-01. Review status: no assertion criteria provided. Collection method: literature only. Allele origin: germline. Not counted in ClinVar's aggregate classification.

Literature cited by the submitters: PubMed 17564972 (cited by 4 submitters).